The following is an entry in ClinVar:

ClinVar aggregate classification (germline): Uncertain significance (1 of 4 stars; one submission).

Conditions:
Hyper-IgE recurrent infection syndrome 1, autosomal dominant. Also called: JOB SYNDROME; Job's Syndrome; STAT3 Hyper IgE Syndrome; Hyper-IgE recurrent infection syndrome 1; HYPER-IgE SYNDROME 1, AUTOSOMAL DOMINANT, WITH RECURRENT INFECTIONS. Identifiers: Orphanet 2314, MedGen C2936739, MONDO:0007818, OMIM 147060.
STAT3 gain of function. Identifiers: MedGen C4288261.

Submission:

Labcorp Genetics (formerly Invitae), Labcorp
Classification: Uncertain significance for STAT3 gain of function; Hyper-IgE recurrent infection syndrome 1, autosomal dominant. Last evaluated: 2023-12-19. Review status: criteria provided, single submitter. Criteria: Invitae Variant Classification Sherloc (09022015). Collection method: clinical testing. Allele origin: germline.
Comment: This sequence change replaces methionine, which is neutral and non-polar, with valine, which is neutral and non-polar, at codon 586 of the STAT3 protein (p.Met586Val). This variant is not present in population databases (gnomAD no frequency). This variant has not been reported in the literature in individuals affected with STAT3-related conditions. Advanced modeling of protein sequence and biophysical properties (such as structural, functional, and spatial information, amino acid conservation, physicochemical variation, residue mobility, and thermodynamic stability) performed at Invitae indicates that this missense variant is not expected to disrupt STAT3 protein function with a negative predictive value of 80%. In summary, the available evidence is currently insufficient to determine the role of this variant in disease. Therefore, it has been classified as a Variant of Uncertain Significance.

NM_139276.3(STAT3):c.1756A>G (p.Met586Val)

Gene: STAT3 (signal transducer and activator of transcription 3; minus strand). Cytogenetic location: 17q21.2.
Variant type: single nucleotide variant.
Coding change: c.1756A>G on transcript NM_139276.3 (MANE Select); coding-DNA position 1756, A replaced by G.
Protein change: p.Met586Val; replaces methionine 586 with valine.
Molecular consequence: missense variant.
Genome position (GRCh38, 1-based): chr17:42,323,136, T>C on the plus strand (A>G on the coding strand, the complement: STAT3 is on the minus strand). VCF-style: chr17-42323136-T-C. GRCh37 (hg19) VCF-style: chr17-40475154-T-C.
Other names: c.1756A>G, p.Met586Val (NM_001369512.1, NM_001369513.1, NM_001369514.1 and 9 more transcripts); c.1672A>G, p.Met558Val (NM_001384984.1); c.1678A>G, p.Met560Val (NM_001384985.1); c.1771A>G, p.Met591Val (NM_001384986.1, NM_001384990.1); c.1735A>G, p.Met579Val (NM_001384987.1); c.1660A>G, p.Met554Val (NM_001384989.1); c.1729A>G, p.Met577Val (NM_001384991.1); c.1696A>G, p.Met566Val (NM_001384992.1); short protein forms M586V, M591V, M554V, M560V, M579V, M577V, M558V, M566V.
Identifiers: ClinVar variation 2939894 (VCV002939894.3), dbSNP rs2144694526, ClinGen allele CA399583248.
Genomic context (GRCh38, chr17:42,323,136, plus strand): 5'-AGGTGCCTGGAGGCTTAGTGCTCAAGATGGCCCGCTCCCGCTCCTTACTGATAAAGCCCA[T>C]GATGTACCTGGAGCCAAGGAGGAGGAACAATGTTGTTATTGCTAACAGGGCATCCATCCC-3'
Protein context (NP_644805.1, residues 576-596): ILALWNEGYI[Met586Val]GFISKERERA